The following is an entry in ClinVar:

NM_002241.5(KCNJ10):c.234A>C (p.Thr78=)

Gene: KCNJ10 (potassium inwardly rectifying channel subfamily J member 10; minus strand). Cytogenetic location: 1q23.2.
Variant type: single nucleotide variant.
Coding change: c.234A>C on transcript NM_002241.5 (MANE Select); coding-DNA position 234, A replaced by C.
Protein change: p.Thr78=; no amino-acid change (threonine 78 retained).
Molecular consequence: synonymous variant.
Genome position (GRCh38, 1-based): chr1:160,042,299, T>G on the plus strand (A>C on the coding strand, the complement: KCNJ10 is on the minus strand). VCF-style: chr1-160042299-T-G. GRCh37 (hg19) VCF-style: chr1-160012089-T-G.
Other names: p.T78T:ACA>ACC.
Identifiers: ClinVar variation 205812 (VCV000205812.8), dbSNP rs748359138, ClinGen allele CA315251.

ClinVar aggregate classification (germline): Benign/Likely benign. Review status: criteria provided, multiple submitters, no conflicts (2 of 4 stars). 3 submissions from 3 submitters: Benign (1); Likely benign (2). Last evaluated 2025-09-15.

Conditions:
Inborn genetic diseases. Identifiers: MedGen C0950123, MeSH D030342.
EAST syndrome (SESAMES). Also called: SEIZURES, SENSORINEURAL DEAFNESS, ATAXIA, IMPAIRED INTELLECTUAL DEVELOPMENT, AND ELECTROLYTE IMBALANCE. Identifiers: Orphanet 199343, MedGen C2748572, MONDO:0013005, OMIM 612780.

Allele frequency attached by ClinVar (database versions not stated): TOPMed 0.00007.
gnomAD v4.1: 32 of 1,613,672 alleles (0.002%); highest among the groups gnomAD compares: Admixed American, 0.0033%; no homozygotes.

Submissions (3):

Labcorp Genetics (formerly Invitae), Labcorp
Classification: Likely benign for EAST syndrome. Last evaluated: 2025-09-15. Review status: criteria provided, single submitter. Criteria: Invitae Variant Classification Sherloc (09022015). Collection method: clinical testing. Allele origin: germline.

Ambry Genetics
Classification: Likely benign for Inborn genetic diseases. Last evaluated: 2019-02-06. Review status: criteria provided, single submitter. Criteria: Ambry Variant Classification Scheme 2023. Collection method: clinical testing. Allele origin: germline.

GeneDx
Classification: Benign. Last evaluated: 2014-07-11. Review status: criteria provided, single submitter. Criteria: GeneDx Variant Classification (06012015). Collection method: clinical testing. Allele origin: germline. Affected: yes.
Comment: This variant is considered likely benign or benign based on one or more of the following criteria: it is a conservative change, it occurs at a poorly conserved position in the protein, it is predicted to be benign by multiple in silico algorithms, and/or has population frequency not consistent with disease.